The following is an entry in ClinVar:

NM_000321.3(RB1):c.959G>T (p.Arg320Leu)

Gene: RB1 (RB transcriptional corepressor 1; plus strand). Cytogenetic location: 13q14.2.
Variant type: single nucleotide variant.
Coding change: c.959G>T on transcript NM_000321.3 (MANE Select); coding-DNA position 959, G replaced by T.
Protein change: p.Arg320Leu; replaces arginine 320 with leucine.
Molecular consequence: missense variant.
Genome position (GRCh38, 1-based): chr13:48,367,513, G>T. VCF-style: chr13-48367513-G-T. GRCh37 (hg19) VCF-style: chr13-48941649-G-T.
Other names: short protein forms R320L.
Identifiers: ClinVar variation 577551 (VCV000577551.14), dbSNP rs760787104, ClinGen allele CA388160631.
Genomic context (GRCh38, chr13:48,367,513, plus strand): 5'-GACATGTAAAGGATAATTGTCAGTGACTTTTTTCTTTCAAGGTTGAAAATCTTTCTAAAC[G>T]ATACGAAGAAATTTATCTTAAAAATAAAGATCTAGATGCAAGATTATTTTTGGATCATGA-3'
Protein context (NP_000312.2, residues 310-330): GLPEVENLSK[Arg320Leu]YEEIYLKNKD

ClinVar aggregate classification (germline): Uncertain significance. Review status: criteria provided, multiple submitters, no conflicts (2 of 4 stars). 5 submissions from 5 submitters: Uncertain significance (5). Last evaluated 2025-05-01.

Conditions:
Malignant tumor of urinary bladder. Also called: Urinary bladder cancer; Bladder cancer; Urinary Bladder Neoplasms. Identifiers: MedGen C0005684, MONDO:0001187, OMIM 109800.
Retinoblastoma (RB1). Also called: RETINOBLASTOMA, SOMATIC. Identifiers: Orphanet 790, MedGen C0035335, MeSH D012175, MONDO:0008380, OMIM 180200, HP:0009919. Disease mechanism: loss of function. Inheritance: Both sporadic and heritable forms are tested..
Hereditary cancer-predisposing syndrome. Also called: Tumor predisposition; Hereditary neoplastic syndrome; Hereditary Cancer Syndrome; Neoplastic Syndromes, Hereditary. Identifiers: Orphanet 140162, MedGen C0027672, MeSH D009386, MONDO:0015356.

gnomAD v4.1: 1 of 1,603,574 alleles (0.000062%); highest among the groups gnomAD compares: South Asian, 0.0011%; no homozygotes.

Submissions (5):

Labcorp Genetics (formerly Invitae), Labcorp
Classification: Uncertain significance for Retinoblastoma. Last evaluated: 2025-05-01. Review status: criteria provided, single submitter. Criteria: Invitae Variant Classification Sherloc (09022015). Collection method: clinical testing. Allele origin: germline.
Comment: This sequence change replaces arginine, which is basic and polar, with leucine, which is neutral and non-polar, at codon 320 of the RB1 protein (p.Arg320Leu). This variant is not present in population databases (gnomAD no frequency). This variant has not been reported in the literature in individuals affected with RB1-related conditions. ClinVar contains an entry for this variant (Variation ID: 577551). Invitae Evidence Modeling of protein sequence and biophysical properties (such as structural, functional, and spatial information, amino acid conservation, physicochemical variation, residue mobility, and thermodynamic stability) indicates that this missense variant is not expected to disrupt RB1 protein function with a negative predictive value of 80%. In summary, the available evidence is currently insufficient to determine the role of this variant in disease. Therefore, it has been classified as a Variant of Uncertain Significance.

GeneDx
Classification: Uncertain significance. Last evaluated: 2025-02-07. Review status: criteria provided, single submitter. Criteria: GeneDx Variant Classification Process June 2021. Collection method: clinical testing. Allele origin: germline. Affected: yes.
Comment: Not observed at significant frequency in large population cohorts (gnomAD); In silico analysis indicates that this missense variant does not alter protein structure/function; This variant is associated with the following publications: (PMID: 23516486, 28167203)

Ambry Genetics
Classification: Uncertain significance for Hereditary cancer-predisposing syndrome. Last evaluated: 2024-06-23. Review status: criteria provided, single submitter. Criteria: Ambry Variant Classification Scheme 2023. Collection method: clinical testing. Allele origin: germline.
Comment: The p.R320L variant (also known as c.959G>T), located in coding exon 10 of the RB1 gene, results from a G to T substitution at nucleotide position 959. The arginine at codon 320 is replaced by leucine, an amino acid with dissimilar properties. This amino acid position is poorly conserved in available vertebrate species. In addition, this alteration is predicted to be tolerated by in silico analysis. Since supporting evidence is limited at this time, the clinical significance of this alteration remains unclear.

Baylor Genetics
Classification: Uncertain significance for Malignant tumor of urinary bladder. Last evaluated: 2024-01-20. Review status: criteria provided, single submitter. Criteria: ACMG Guidelines, 2015. Collection method: clinical testing. Allele origin: unknown.

All of Us Research Program, National Institutes of Health
Classification: Uncertain significance for Retinoblastoma. Last evaluated: 2023-06-26. Review status: criteria provided, single submitter. Criteria: ACMG Guidelines, 2015. Collection method: clinical testing. Allele origin: germline. Inheritance: Autosomal dominant inheritance. Observed: 1 variant allele, 1 heterozygote.
Comment: This missense variant replaces arginine with leucine at codon 320 of the RB1 protein. Computational prediction suggests that this variant may not impact protein structure and function (internally defined REVEL score threshold <= 0.5, PMID: 27666373). To our knowledge, functional studies have not been reported for this variant. This variant has not been reported in individuals affected with RB1-related disorders in the literature. This variant has not been identified in the general population by the Genome Aggregation Database (gnomAD). The available evidence is insufficient to determine the role of this variant in disease conclusively. Therefore, this variant is classified as a Variant of Uncertain Significance.

This study involves interpretation of variants in research participants for the purpose of population health screening. Participant phenotype was not available at the time of variant classification. Additional details can be found in publication PMID: 35346344, PMCID: PMC8962531